The following is an entry in ClinVar:

NM_006514.4(SCN10A):c.644G>A (p.Arg215Gln)

Gene: SCN10A (sodium voltage-gated channel alpha subunit 10; minus strand). Cytogenetic location: 3p22.2.
Variant type: single nucleotide variant.
Coding change: c.644G>A on transcript NM_006514.4 (MANE Select); coding-DNA position 644, G replaced by A.
Protein change: p.Arg215Gln; replaces arginine 215 with glutamine.
Molecular consequence: missense variant.
Genome position (GRCh38, 1-based): chr3:38,763,552, C>T on the plus strand (G>A on the coding strand, the complement: SCN10A is on the minus strand). VCF-style: chr3-38763552-C-T. GRCh37 (hg19) VCF-style: chr3-38805043-C-T.
Other names: c.644G>A, p.Arg215Gln (NM_001293306.2, NM_001293307.2); short protein forms R215Q.
Identifiers: ClinVar variation 1345265 (VCV001345265.10), dbSNP rs1417349620, ClinGen allele CA352172116.
Genomic context (GRCh38, chr3:38,763,552, plus strand): 5'-AATAAATGCTCACCTGGGATCACAGAAACTGTTTTTAATGCTCTAAGAACTCTGAATGTC[C>T]GCAGGCCTGAGATCCCACGGAGATCTATTGCTGTGCCAACATATCTGTAGGACCAGAAGT-3'
Protein context (NP_006505.4, residues 205-225): AIDLRGISGL[Arg215Gln]TFRVLRALKT

ClinVar aggregate classification (germline): Uncertain significance. Review status: criteria provided, multiple submitters, no conflicts (2 of 4 stars). 2 submissions from 2 submitters: Uncertain significance (2). Last evaluated 2024-05-21.

Conditions:
Episodic pain syndrome, familial, 2 (FEPS2). Identifiers: Orphanet 306577, MedGen C3809893, MONDO:0014246, OMIM 615551.
Brugada syndrome. Also called: Sudden Unexplained Death Syndrome; Sudden Unexplained Nocturnal Death Syndrome (SUNDS); Sudden unexplained nocturnal death syndrome; Sudden unexpected nocturnal death syndrome. Identifiers: Orphanet 130, MedGen C1142166, MONDO:0015263.

Allele frequency attached by ClinVar (database versions not stated): gnomAD exomes below 0.00001 and 0.00001; TOPMed below 0.00001.
gnomAD v4.1: 15 of 1,614,064 alleles (0.00093%); highest among the groups gnomAD compares: South Asian, 0.0022%; no homozygotes.

Submissions (2):

Labcorp Genetics (formerly Invitae), Labcorp
Classification: Uncertain significance for Brugada syndrome. Last evaluated: 2024-05-21. Review status: criteria provided, single submitter. Criteria: Invitae Variant Classification Sherloc (09022015). Collection method: clinical testing. Allele origin: germline.
Comment: This sequence change replaces arginine, which is basic and polar, with glutamine, which is neutral and polar, at codon 215 of the SCN10A protein (p.Arg215Gln). This variant is present in population databases (no rsID available, gnomAD 0.0009%). This variant has not been reported in the literature in individuals affected with SCN10A-related conditions. ClinVar contains an entry for this variant (Variation ID: 1345265). Advanced modeling of protein sequence and biophysical properties (such as structural, functional, and spatial information, amino acid conservation, physicochemical variation, residue mobility, and thermodynamic stability) has been performed at Invitae for this missense variant, however the output from this modeling did not meet the statistical confidence thresholds required to predict the impact of this variant on SCN10A protein function. Algorithms developed to predict the effect of sequence changes on RNA splicing suggest that this variant may disrupt the consensus splice site. In summary, the available evidence is currently insufficient to determine the role of this variant in disease. Therefore, it has been classified as a Variant of Uncertain Significance.

MGZ Medical Genetics Center
Classification: Uncertain significance for Episodic pain syndrome, familial, 2. Last evaluated: 2021-09-16. Review status: criteria provided, single submitter. Criteria: ACMG Guidelines, 2015. Collection method: clinical testing. Allele origin: germline. Affected: yes. Observed: 1 variant allele.
Comment: ACMG criteria applied: PM2_SUP, PP3